The following is an entry in ClinVar:

NM_001145308.5(LRTOMT):c.751C>T (p.Pro251Ser)

Genes: ANAPC15 (anaphase promoting complex subunit 15; minus strand), LRTOMT (leucine rich transmembrane and O-methyltransferase domain containing; plus strand), TOMT (transmembrane O-methyltransferase; plus strand). Cytogenetic location: 11q13.4.
Variant type: single nucleotide variant.
Coding change: c.751C>T on transcript NM_001145308.5; coding-DNA position 751, C replaced by T.
Protein change: p.Pro251Ser; replaces proline 251 with serine.
Molecular consequence: missense variant. On other transcripts: 3 prime UTR variant (3), non-coding transcript variant (1), intron variant (7).
Genome position (GRCh38, 1-based): chr11:72,108,800, C>T. VCF-style: chr11-72108800-C-T. GRCh37 (hg19) VCF-style: chr11-71819846-C-T.
Other names: c.652C>T, p.Pro218Ser (NM_001393500.2); c.751C>T, p.Pro251Ser (NM_001145309.4); c.631C>T, p.Pro211Ser (NM_001145310.4); c.*19G>A (NM_001393443.1, NM_001393444.1, NM_001393445.1); c.64-1195G>A (NM_001393459.1); c.319-1195G>A (NM_001393430.1, NM_001393429.1, NM_001393428.1 and 3 more transcripts); short protein forms P218S, P251S, P211S.
Identifiers: ClinVar variation 1433458 (VCV001433458.7), dbSNP rs1185544055, ClinGen allele CA381726893.
Genomic context (GRCh38, chr11:72,108,800, plus strand): 5'-CATGCCCTACTGCCAGCAGGTGCCACCGTGCTGGCTGACCATGTGCTCTTCCCTGGTGCA[C>T]CCCGCTTCTTGCAGTATGCTAAGAGCTGTGGCCGCTACCGCTGCCGCCTCCACCACACTG-3'

ClinVar aggregate classification (germline): Uncertain significance. Review status: criteria provided, multiple submitters, no conflicts (2 of 4 stars). 2 submissions from 2 submitters: Uncertain significance (2). Last evaluated 2024-04-09.

Conditions:
Inborn genetic diseases. Identifiers: MedGen C0950123, MeSH D030342.

Allele frequency attached by ClinVar (database versions not stated): TOPMed below 0.00001; gnomAD exomes 0.00001.
gnomAD v4.1: 26 of 1,550,404 alleles (0.0017%); highest among the groups gnomAD compares: Non-Finnish European, 0.0019%; no homozygotes.

Submissions (2):

Ambry Genetics
Classification: Uncertain significance for Inborn genetic diseases. Last evaluated: 2024-04-09. Review status: criteria provided, single submitter. Criteria: Ambry Variant Classification Scheme 2023. Collection method: clinical testing. Allele origin: germline.

Labcorp Genetics (formerly Invitae), Labcorp
Classification: Uncertain significance. Last evaluated: 2022-08-09. Review status: criteria provided, single submitter. Criteria: Invitae Variant Classification Sherloc (09022015). Collection method: clinical testing. Allele origin: germline.
Comment: In summary, the available evidence is currently insufficient to determine the role of this variant in disease. Therefore, it has been classified as a Variant of Uncertain Significance. Algorithms developed to predict the effect of missense changes on protein structure and function (SIFT, PolyPhen-2, Align-GVGD) all suggest that this variant is likely to be disruptive. ClinVar contains an entry for this variant (Variation ID: 1433458). This variant has not been reported in the literature in individuals affected with LRTOMT-related conditions. This variant is present in population databases (no rsID available, gnomAD 0.004%). This sequence change replaces proline, which is neutral and non-polar, with serine, which is neutral and polar, at codon 251 of the LRTOMT protein (p.Pro251Ser).